The following is an entry in ClinVar:

NM_006030.4(CACNA2D2):c.2081A>C (p.Asn694Thr)

Gene: CACNA2D2 (calcium voltage-gated channel auxiliary subunit alpha2delta 2; minus strand). Cytogenetic location: 3p21.31.
Variant type: single nucleotide variant.
Coding change: c.2081A>C on transcript NM_006030.4 (MANE Select); coding-DNA position 2081, A replaced by C.
Protein change: p.Asn694Thr; replaces asparagine 694 with threonine.
Molecular consequence: missense variant.
Genome position (GRCh38, 1-based): chr3:50,368,200, T>G on the plus strand (A>C on the coding strand, the complement: CACNA2D2 is on the minus strand). VCF-style: chr3-50368200-T-G. GRCh37 (hg19) VCF-style: chr3-50405631-T-G.
Other names: c.2081A>C, p.Asn694Thr (NM_001005505.3); c.2102A>C, p.Asn701Thr (NM_001174051.3); c.1874A>C, p.Asn625Thr (NM_001291101.1); short protein forms N694T, N625T, N701T.
Identifiers: ClinVar variation 836243 (VCV000836243.6), dbSNP rs139997397, ClinGen allele CA2418600.
Genomic context (GRCh38, chr3:50,368,200, plus strand): 5'-TGCTTGGAGTCTGGAGTCACTTTCTCCATGAGCTCAATAAAGTTTTTCAGGAACTCGGTG[T>G]TGTTGTCTGAGGCATTCAGGTCCTTGCAGTACTCTCTAGGGATGGGGAGGGGCAAGAAGA-3'
Protein context (NP_006021.2, residues 684-704): YCKDLNASDN[Asn694Thr]TEFLKNFIEL

ClinVar aggregate classification (germline): Uncertain significance. Review status: criteria provided, multiple submitters, no conflicts (2 of 4 stars). 2 submissions from 2 submitters: Uncertain significance (2). Last evaluated 2023-11-10.

Conditions:
Developmental and epileptic encephalopathy. Identifiers: MedGen C5779964, MONDO:0100620.

Allele frequency attached by ClinVar (database versions not stated): ExAC 0.00002; gnomAD exomes 0.00002 and 0.00004; gnomAD 0.00005 and 0.00006; TOPMed 0.00005; ESP Exome Variant Server 0.00008.
gnomAD v4.1: 42 of 1,613,580 alleles (0.0026%); highest among the groups gnomAD compares: African/African-American, 0.0093%; no homozygotes.

Submissions (2):

Blueprint Genetics
Classification: Uncertain significance. Last evaluated: 2023-11-10. Review status: criteria provided, single submitter. Criteria: ACMG Guidelines, 2015. Collection method: clinical testing. Allele origin: germline.

Labcorp Genetics (formerly Invitae), Labcorp
Classification: Uncertain significance for Early-infantile DEE. Last evaluated: 2022-05-04. Review status: criteria provided, single submitter. Criteria: Invitae Variant Classification Sherloc (09022015). Collection method: clinical testing. Allele origin: germline.
Comment: This sequence change replaces asparagine, which is neutral and polar, with threonine, which is neutral and polar, at codon 694 of the CACNA2D2 protein (p.Asn694Thr). This variant is present in population databases (rs139997397, gnomAD 0.02%). This variant has not been reported in the literature in individuals affected with CACNA2D2-related conditions. ClinVar contains an entry for this variant (Variation ID: 836243). Algorithms developed to predict the effect of missense changes on protein structure and function are either unavailable or do not agree on the potential impact of this missense change (SIFT: "Deleterious"; PolyPhen-2: "Probably Damaging"; Align-GVGD: "Class C0"). In summary, the available evidence is currently insufficient to determine the role of this variant in disease. Therefore, it has been classified as a Variant of Uncertain Significance.